The following is an entry in ClinVar:

NM_000553.6(WRN):c.1859_1864del (p.Gly620_Ser621del)

Gene: WRN (WRN RecQ like helicase; plus strand). Cytogenetic location: 8p12.
Variant type: Deletion.
Coding change: c.1859_1864del on transcript NM_000553.6 (MANE Select); coding-DNA positions 1859 to 1864, 6 bases deleted (GATCAG; older notation c.1859_1864delGATCAG).
Protein change: p.Gly620_Ser621del.
Molecular consequence: inframe deletion.
Genome position (GRCh38, 1-based): chr8:31,091,859-31,091,864, GATCAG deleted; deleting any 6 consecutive bases within chr8:31,091,858-31,091,864 gives the same sequence; the c. name uses the placement nearest the transcript's 3' end. VCF-style (leftmost placement, unchanged base first): chr8-31091857-TGGATCA-T. GRCh37 (hg19) VCF-style: chr8-30949373-TGGATCA-T.
Identifiers: ClinVar variation 2693940 (VCV002693940.3), dbSNP rs2535934066, ClinGen allele CA2697549867.
Genomic context (GRCh38, chr8:31,091,857, plus strand): 5'-ATGGTGCCAGAATATTTGTTTTTCTTCTTATAGAATGTCCAACATCCCAGCTTGCTTCCT[TGGATCA>T]GCACAGTCAGAAAATGTTCTAACAGATATTAAATTGTGAGTAATTTTTTTCCCTCAACTT-3'

ClinVar aggregate classification (germline): Uncertain significance (1 of 4 stars; one submission).

Conditions:
Werner syndrome (WRN). Identifiers: Orphanet 902, MedGen C0043119, MONDO:0010196, OMIM 277700.

Submission:

Labcorp Genetics (formerly Invitae), Labcorp
Classification: Uncertain significance for Werner syndrome. Last evaluated: 2023-11-07. Review status: criteria provided, single submitter. Criteria: Invitae Variant Classification Sherloc (09022015). Collection method: clinical testing. Allele origin: germline.
Comment: This variant, c.1859_1864del, results in the deletion of 2 amino acid(s) of the WRN protein (p.Gly620_Ser621del), but otherwise preserves the integrity of the reading frame. This variant is not present in population databases (gnomAD no frequency). This variant has not been reported in the literature in individuals affected with WRN-related conditions. Experimental studies and prediction algorithms are not available or were not evaluated, and the functional significance of this variant is currently unknown. Algorithms developed to predict the effect of sequence changes on RNA splicing suggest that this variant may disrupt the consensus splice site. In summary, the available evidence is currently insufficient to determine the role of this variant in disease. Therefore, it has been classified as a Variant of Uncertain Significance.